The following is an entry in ClinVar:

ClinVar aggregate classification (germline): Uncertain significance (1 of 4 stars; one submission).

Submission:

CeGaT Center for Human Genetics Tuebingen
Classification: Uncertain significance. Last evaluated: 2025-01-01. Review status: criteria provided, single submitter. Criteria: CeGaT Center For Human Genetics Tuebingen Variant Classification Criteria Version 2. Collection method: clinical testing. Allele origin: germline. Affected: yes. Observed: 1 variant allele.
Comment: OTULIN: PM2

NM_138348.6(OTULIN):c.44C>A (p.Ala15Glu)

Gene: OTULIN (OTU deubiquitinase with linear linkage specificity; plus strand). Cytogenetic location: 5p15.2.
Variant type: single nucleotide variant.
Coding change: c.44C>A on transcript NM_138348.6 (MANE Select); coding-DNA position 44, C replaced by A.
Protein change: p.Ala15Glu; replaces alanine 15 with glutamic acid.
Molecular consequence: missense variant.
Genome position (GRCh38, 1-based): chr5:14,664,869, C>A. VCF-style: chr5-14664869-C-A. GRCh37 (hg19) VCF-style: chr5-14664978-C-A.
Other names: short protein forms A15E.
Identifiers: ClinVar variation 3772388 (VCV003772388.13).